The following is an entry in ClinVar:

ClinVar aggregate classification (germline): Uncertain significance (1 of 4 stars; one submission).

Submission:

GeneDx
Classification: Uncertain significance. Last evaluated: 2022-12-12. Review status: criteria provided, single submitter. Criteria: GeneDx Variant Classification Process June 2021. Collection method: clinical testing. Allele origin: germline. Affected: yes.
Comment: Not observed at significant frequency in large population cohorts (gnomAD); In silico analysis supports that this missense variant does not alter protein structure/function; Has not been previously published as pathogenic or benign to our knowledge

NM_001813.3(CENPE):c.1183G>A (p.Glu395Lys)

Gene: CENPE (centromere protein E; minus strand). Cytogenetic location: 4q24.
Variant type: single nucleotide variant.
Coding change: c.1183G>A on transcript NM_001813.3 (MANE Select); coding-DNA position 1183, G replaced by A.
Protein change: p.Glu395Lys; replaces glutamic acid 395 with lysine.
Molecular consequence: missense variant.
Genome position (GRCh38, 1-based): chr4:103,180,370, C>T on the plus strand (G>A on the coding strand, the complement: CENPE is on the minus strand). VCF-style: chr4-103180370-C-T. GRCh37 (hg19) VCF-style: chr4-104101527-C-T.
Other names: c.1183G>A, p.Glu395Lys (NM_001286734.2); short protein forms E395K.
Identifiers: ClinVar variation 2504861 (VCV002504861.1), dbSNP rs2476066942, ClinGen allele CA357787703.